The following is an entry in ClinVar:

NM_001374736.1(DST):c.954+6A>C

Gene: DST (dystonin; minus strand). Cytogenetic location: 6p12.1.
Variant type: single nucleotide variant.
Coding change: c.954+6A>C on transcript NM_001374736.1 (MANE Select); 6 bases into the intron after coding-DNA position 954, A replaced by C.
Molecular consequence: intron variant.
Genome position (GRCh38, 1-based): chr6:56,701,882, T>G on the plus strand (A>C on the coding strand, the complement: DST is on the minus strand). VCF-style: chr6-56701882-T-G. GRCh37 (hg19) VCF-style: chr6-56566680-T-G.
Other names: c.855+6A>C (NM_001144769.5); c.954+6A>C (NM_001374722.1); c.981+6A>C (NM_001374734.1); c.441+6A>C (NM_001144770.2); c.321+6A>C (NM_001374730.1, NM_001386100.1, NM_183380.4 and 1 more transcripts).
Identifiers: ClinVar variation 1763825 (VCV001763825.2), dbSNP rs373402193, ClinGen allele CA826167691.

ClinVar aggregate classification (germline): Uncertain significance (1 of 4 stars; one submission).

Conditions:
Inborn genetic diseases. Identifiers: MedGen C0950123, MeSH D030342.

Allele frequency attached by ClinVar (database versions not stated): TOPMed below 0.00001; gnomAD 0.00001.
gnomAD v4.1: 1 of 1,571,822 alleles (0.000064%); highest among the groups gnomAD compares: Non-Finnish European, 0.000087%; no homozygotes.

Submission:

Ambry Genetics
Classification: Uncertain significance for Inborn genetic diseases. Last evaluated: 2020-03-23. Review status: criteria provided, single submitter. Criteria: Ambry Variant Classification Scheme 2023. Collection method: clinical testing. Allele origin: germline.
Comment: The c.855+6A>C intronic variant results from an A to C substitution 6 nucleotides after coding exon 7 in the DST gene. This nucleotide position is well conserved in available vertebrate species. Using the BDGP and ESEfinder splice site prediction tools, this alteration is not predicted to have any significant effect on this splice donor site; however, direct evidence is unavailable. Since supporting evidence is limited at this time, the clinical significance of this alteration remains unclear.